The following is an entry in ClinVar:

NM_000312.4(PROC):c.400+5G>T

Gene: PROC (protein C, inactivator of coagulation factors Va and VIIIa; plus strand). Cytogenetic location: 2q14.3.
Variant type: single nucleotide variant.
Coding change: c.400+5G>T on transcript NM_000312.4 (MANE Select); 5 bases into the intron after coding-DNA position 400, G replaced by T.
Molecular consequence: intron variant. On other transcripts: missense variant (4).
Genome position (GRCh38, 1-based): chr2:127,423,176, G>T. VCF-style: chr2-127423176-G-T. GRCh37 (hg19) VCF-style: chr2-128180752-G-T.
Other names: c.468G>T, p.Glu156Asp (NM_001375603.1); c.405G>T, p.Glu135Asp (NM_001375605.1); c.560G>T, p.Arg187Met (NM_001375606.1); c.489G>T, p.Glu163Asp (NM_001375607.1); c.400+5G>T (NM_001375611.1, NM_001375608.1, NM_001375613.1); c.583+5G>T (NM_001375602.1); c.394+5G>T (NM_001375610.1); c.463+5G>T (NM_001375604.1); and 1 more; short protein forms E135D, E156D, R187M, E163D.
Identifiers: ClinVar variation 2734266 (VCV002734266.3), dbSNP rs199469478, ClinGen allele CA348399221.

ClinVar aggregate classification (germline): Pathogenic (1 of 4 stars; one submission).

Conditions:
Thrombophilia due to protein C deficiency, autosomal dominant. Also called: PROC DEFICIENCY, AUTOSOMAL DOMINANT; PROTEIN C DEFICIENCY, AUTOSOMAL DOMINANT. Identifiers: Orphanet 745, MedGen C2674321, MONDO:0008316, OMIM 176860. Disease mechanism: loss of function.

gnomAD v4.1: 1 of 1,570,272 alleles (0.000064%); highest among the groups gnomAD compares: Non-Finnish European, 0.000086%; no homozygotes.

Submission:

Labcorp Genetics (formerly Invitae), Labcorp
Classification: Pathogenic for Thrombophilia due to protein C deficiency, autosomal dominant. Last evaluated: 2025-11-27. Review status: criteria provided, single submitter. Criteria: Invitae Variant Classification Sherloc (09022015). Collection method: clinical testing. Allele origin: germline.
Comment: This sequence change falls in intron 5 of the PROC gene. It does not directly change the encoded amino acid sequence of the PROC protein. It affects a nucleotide within the consensus splice site. This variant is not present in population databases (gnomAD no frequency). This variant has been observed in individual(s) with protein C deficiency (PMID: 1868249, 31254973). It has also been observed to segregate with disease in related individuals. This variant is also known as 3222 G>T. ClinVar contains an entry for this variant (Variation ID: 2734266). Variants that disrupt the consensus splice site are a relatively common cause of aberrant splicing (PMID: 17576681, 9536098). Algorithms developed to predict the effect of sequence changes on RNA splicing suggest that this variant may disrupt the consensus splice site. This variant disrupts the c.400+5G nucleotide in the PROC gene. Other variant(s) that disrupt this nucleotide have been determined to be pathogenic (PMID: 1868249, 2783855; internal data). This suggests that this nucleotide is clinically significant, and that variants that disrupt this position are likely to be disease-causing. For these reasons, this variant has been classified as Pathogenic.

Literature cited by the submitters: PubMed 1868249; PubMed 31254973; PubMed 17576681; PubMed 9536098; PubMed 2783855.